The following is an entry in ClinVar:

ClinVar aggregate classification (germline): Likely benign (1 of 4 stars; one submission).

Conditions:
PCNT-related disorder. Also called: PCNT-related condition.

gnomAD v4.1: 3 of 1,597,532 alleles (0.00019%); highest among the groups gnomAD compares: African/African-American, 0.0013%; no homozygotes.

Submission:

PreventionGenetics, part of Exact Sciences
Classification: Likely benign for PCNT-related condition. Last evaluated: 2024-12-03. Review status: criteria provided, single submitter. Criteria: ACMG Guidelines, 2015. Collection method: clinical testing. Allele origin: germline.
Comment: This variant is classified as likely benign based on ACMG/AMP sequence variant interpretation guidelines (Richards et al. 2015 PMID: 25741868, with internal and published modifications).

NM_006031.6(PCNT):c.750G>A (p.Leu250=)

Gene: PCNT (pericentrin; plus strand). Cytogenetic location: 21q22.3.
Variant type: single nucleotide variant.
Coding change: c.750G>A on transcript NM_006031.6 (MANE Select); coding-DNA position 750, G replaced by A.
Protein change: p.Leu250=; no amino-acid change (leucine 250 retained).
Molecular consequence: synonymous variant.
Genome position (GRCh38, 1-based): chr21:46,346,772, G>A. VCF-style: chr21-46346772-G-A. GRCh37 (hg19) VCF-style: chr21-47766686-G-A.
Other names: c.396G>A, p.Leu132= (NM_001315529.2).
Identifiers: ClinVar variation 4984745 (VCV004984745.1).
Genomic context (GRCh38, chr21:46,346,772, plus strand): 5'-GCCCTTATCAGAGGCCTTTTCTCCGCCGCAGGCCGTGCATGGCCTTGAGCTGGAGGCGCT[G>A]CGCCTGAGTCTGAGCAACATGCACACGGCGCAGCTGGAGCTGACACAGGCCAACCTCCAG-3'
Protein context (NP_006022.3, residues 240-260): QAVHGLELEA[Leu250=]RLSLSNMHTA